The following is an entry in ClinVar:

NM_001349253.2(SCN11A):c.2404-6T>C

Gene: SCN11A (sodium voltage-gated channel alpha subunit 11; minus strand). Cytogenetic location: 3p22.2.
Variant type: single nucleotide variant.
Coding change: c.2404-6T>C on transcript NM_001349253.2 (MANE Select); 6 bases into the intron before coding-DNA position 2404, T replaced by C.
Molecular consequence: intron variant.
Genome position (GRCh38, 1-based): chr3:38,894,970, A>G on the plus strand (T>C on the coding strand, the complement: SCN11A is on the minus strand). VCF-style: chr3-38894970-A-G. GRCh37 (hg19) VCF-style: chr3-38936461-A-G.
Other names: c.2404-6T>C (NM_014139.3, NM_014139.2).
Identifiers: ClinVar variation 1463207 (VCV001463207.9), dbSNP rs964158614, ClinGen allele CA72997975.

ClinVar aggregate classification (germline): Conflicting classifications of pathogenicity. Review status: criteria provided, conflicting classifications (1 of 4 stars). 2 submissions from 2 submitters: Uncertain significance (1); Likely benign (1). Last evaluated 2023-11-30.

Conditions:
Hereditary sensory and autonomic neuropathy type 7. Also called: Neuropathy, hereditary sensory and autonomic, type VII; HSAN VII. Identifiers: Orphanet 391397, MedGen C3809882, MONDO:0014244, OMIM 615548.
Familial episodic pain syndrome with predominantly lower limb involvement. Also called: Episodic pain syndrome, familial, 3. Identifiers: Orphanet 391384, Orphanet 391392, MedGen C3809899, MONDO:0014247, OMIM 615552.
Inborn genetic diseases. Identifiers: MedGen C0950123, MeSH D030342.

Allele frequency attached by ClinVar (database versions not stated): gnomAD exomes below 0.00001; gnomAD 0.00001; TOPMed 0.00002.
gnomAD v4.1: 10 of 1,590,958 alleles (0.00063%); highest among the groups gnomAD compares: African/African-American, 0.0027%; no homozygotes.

Submissions (2):

Ambry Genetics
Classification: Uncertain significance for Inborn genetic diseases. Last evaluated: 2023-11-30. Review status: criteria provided, single submitter. Criteria: Ambry Variant Classification Scheme 2023. Collection method: clinical testing. Allele origin: germline.
Comment: The c.2404-6T>C intronic alteration consists of a T to C substitution 6 nucleotides before coding exon 15 of the SCN11A gene. Based on insufficient or conflicting evidence, the clinical significance of this alteration remains unclear.

Labcorp Genetics (formerly Invitae), Labcorp
Classification: Likely benign for Familial episodic pain syndrome with predominantly lower limb involvement; Hereditary sensory and autonomic neuropathy type 7. Last evaluated: 2021-06-13. Review status: criteria provided, single submitter. Criteria: Invitae Variant Classification Sherloc (09022015). Collection method: clinical testing. Allele origin: germline.